The following is an entry in ClinVar:

ClinVar aggregate classification (germline): Uncertain significance (0 of 4 stars; one submission).

Conditions:
SETX-related disorder. Also called: SETX-related condition; SETX-related disorders. Identifiers: MedGen CN239403.

Submission:

PreventionGenetics, part of Exact Sciences
Classification: Uncertain significance for SETX-related condition. Last evaluated: 2023-12-19. Review status: no assertion criteria provided. Collection method: clinical testing. Allele origin: germline.
Comment: The SETX c.2825A>G variant is predicted to result in the amino acid substitution p.Gln942Arg. To our knowledge, this variant has not been reported in the literature or in a large population database, indicating this variant is rare. At this time, the clinical significance of this variant is uncertain due to the absence of conclusive functional and genetic evidence.

NM_015046.7(SETX):c.2825A>G (p.Gln942Arg)

Gene: SETX (senataxin; minus strand). Cytogenetic location: 9q34.13.
Variant type: single nucleotide variant.
Coding change: c.2825A>G on transcript NM_015046.7 (MANE Select); coding-DNA position 2825, A replaced by G.
Protein change: p.Gln942Arg; replaces glutamine 942 with arginine.
Molecular consequence: missense variant.
Genome position (GRCh38, 1-based): chr9:132,328,773, T>C on the plus strand (A>G on the coding strand, the complement: SETX is on the minus strand). VCF-style: chr9-132328773-T-C. GRCh37 (hg19) VCF-style: chr9-135204160-T-C.
Other names: c.2825A>G, p.Gln942Arg (NM_001351527.2, NM_001351528.2); short protein forms Q942R.
Identifiers: ClinVar variation 3349746 (VCV003349746.1).